The following is an entry in ClinVar:

ClinVar aggregate classification (germline): Benign/Likely benign. Review status: criteria provided, multiple submitters, no conflicts (2 of 4 stars). 7 submissions from 7 submitters: Benign (6); Likely benign (1). Last evaluated 2026-02-01.

Allele frequency attached by ClinVar (database versions not stated): 1000 Genomes Project 30x 0.02014; gnomAD 0.04231 and 0.04328; TOPMed 0.04268; ExAC 0.04474; gnomAD exomes 0.04569 and 0.05808; ESP Exome Variant Server 0.05028; 1000 Genomes Project 0.01977.
gnomAD v4.1: 91,416 of 1,613,660 alleles (5.7%); highest among the groups gnomAD compares: Middle Eastern, 8.9%; 3,071 homozygotes.

Submissions (7):

Labcorp Genetics (formerly Invitae), Labcorp
Classification: Benign. Last evaluated: 2026-02-01. Review status: criteria provided, single submitter. Criteria: Invitae Variant Classification Sherloc (09022015). Collection method: clinical testing. Allele origin: germline.

Mayo Clinic Laboratories, Mayo Clinic
Classification: Benign. Last evaluated: 2020-07-20. Review status: criteria provided, single submitter. Criteria: ACMG Guidelines, 2015. Collection method: clinical testing. Allele origin: germline. Observed: 14 variant alleles.

GeneDx
Classification: Benign. Last evaluated: 2017-10-05. Review status: criteria provided, single submitter. Criteria: GeneDx Variant Classification (06012015). Collection method: clinical testing. Allele origin: germline. Affected: yes.
Comment: This variant is considered likely benign or benign based on one or more of the following criteria: it is a conservative change, it occurs at a poorly conserved position in the protein, it is predicted to be benign by multiple in silico algorithms, and/or has population frequency not consistent with disease.

Eurofins Ntd Llc (ga)
Classification: Benign. Last evaluated: 2016-08-16. Review status: criteria provided, single submitter. Criteria: EGL Classification Definitions 2015. Collection method: clinical testing. Allele origin: germline. Observed: 2 variant alleles, 2 heterozygotes.

Laboratory for Molecular Medicine, Mass General Brigham Personalized Medicine
Classification: Benign. Last evaluated: 2012-05-07. Review status: criteria provided, single submitter. Criteria: LMM Criteria. Collection method: clinical testing. Allele origin: germline. Observed: 176 variant alleles.
Comment: Glu304Lys in Exon 08 of HGF: This variant is not expected to have clinical signi ficance because it has been identified in 7.3% (510/7020) of European American c hromosomes from a broad population by the NHLBI Exome Sequencing Project (dbSNP rs5745687).

Breakthrough Genomics
Classification: Likely benign. Review status: criteria provided, single submitter. Criteria: ACMG Guidelines, 2015. Collection method: not provided. Allele origin: germline. Inheritance: Autosomal recessive inheritance. Affected: yes.

PreventionGenetics, part of Exact Sciences
Classification: Benign. Review status: criteria provided, single submitter. Criteria: ACMG Guidelines, 2015. Collection method: clinical testing. Allele origin: germline.

NM_000601.6(HGF):c.910G>A (p.Glu304Lys)

Gene: HGF (hepatocyte growth factor; minus strand). Cytogenetic location: 7q21.11.
Variant type: single nucleotide variant.
Coding change: c.910G>A on transcript NM_000601.6 (MANE Select); coding-DNA position 910, G replaced by A.
Protein change: p.Glu304Lys; replaces glutamic acid 304 with lysine.
Molecular consequence: missense variant.
Genome position (GRCh38, 1-based): chr7:81,729,735, C>T on the plus strand (G>A on the coding strand, the complement: HGF is on the minus strand). VCF-style: chr7-81729735-C-T. GRCh37 (hg19) VCF-style: chr7-81359051-C-T.
Other names: c.895G>A, p.Glu299Lys (NM_001010932.3); short protein forms E304K, E299K.
Identifiers: ClinVar variation 43611 (VCV000043611.22), dbSNP rs5745687, ClinGen allele CA132822.
Genomic context (GRCh38, chr7:81,729,735, plus strand): 5'-TTCCATTCCAAATGGTATTGACAGTGCCCCTGTAGCCTTCTCCTTGACCTTGGATGCATT[C>T]AGTTGTTTCCAAAGGAACATCAGTGTCATTCATAGTATTGTCAGCTATTGGCAAAAAACA-3'
Protein context (NP_000592.3, residues 294-314): NDTDVPLETT[Glu304Lys]CIQGQGEGYR